The following is an entry in ClinVar:

ClinVar aggregate classification (germline): Uncertain significance. Review status: criteria provided, multiple submitters, no conflicts (2 of 4 stars). 3 submissions from 3 submitters: Uncertain significance (3). Last evaluated 2024-08-29.

Conditions:
Imerslund-Grasbeck syndrome type 1 (IGS1). Also called: Imerslund-Gräsbeck syndrome 1; Megaloblastic anemia 1, Finnish type; MEGALOBLASTIC ANEMIA, 1. Identifiers: MedGen C4016819, MONDO:0100156, OMIM 261100.
Proteinuria, chronic benign. Identifiers: MedGen C5394384, MONDO:0030042, OMIM 618884.
Imerslund-Grasbeck syndrome. Also called: Megaloblastic anemia due to inborn errors of metabolism; ENTEROCYTE COBALAMIN MALABSORPTION; ENTEROCYTE INTRINSIC FACTOR RECEPTOR, DEFECT OF; Imerslund-Gräsbeck syndrome; PERNICIOUS ANEMIA, JUVENILE, DUE TO SELECTIVE INTESTINAL MALABSORPTION OF VITAMIN B12, WITH PROTEINURIA. Identifiers: Orphanet 35858, MedGen C4551825, MONDO:0009853.

Allele frequency attached by ClinVar (database versions not stated): gnomAD 0.00001 and 0.00003; ExAC 0.00002; gnomAD exomes 0.00002; TOPMed 0.00002.
gnomAD v4.1: 29 of 1,613,422 alleles (0.0018%); highest among the groups gnomAD compares: Middle Eastern, 0.016%; no homozygotes.

Submissions (3):

Blueprint Genetics
Classification: Uncertain significance. Last evaluated: 2024-08-29. Review status: criteria provided, single submitter. Criteria: ACMG Guidelines, 2015. Collection method: clinical testing. Allele origin: germline.

Labcorp Genetics (formerly Invitae), Labcorp
Classification: Uncertain significance for Imerslund-Grasbeck syndrome. Last evaluated: 2023-02-09. Review status: criteria provided, single submitter. Criteria: Invitae Variant Classification Sherloc (09022015). Collection method: clinical testing. Allele origin: germline.
Comment: Advanced modeling of protein sequence and biophysical properties (such as structural, functional, and spatial information, amino acid conservation, physicochemical variation, residue mobility, and thermodynamic stability) performed at Invitae indicates that this missense variant is expected to disrupt CUBN protein function. This sequence change replaces threonine, which is neutral and polar, with methionine, which is neutral and non-polar, at codon 55 of the CUBN protein (p.Thr55Met). This variant is present in population databases (rs774556167, gnomAD 0.003%). This missense change has been observed in individual(s) with clinical features of genetic kidney disease (PMID: 31613795, 33226606). ClinVar contains an entry for this variant (Variation ID: 963138). In summary, the available evidence is currently insufficient to determine the role of this variant in disease. Therefore, it has been classified as a Variant of Uncertain Significance.

Fulgent Genetics
Classification: Uncertain significance for Imerslund-Grasbeck syndrome type 1; Proteinuria, chronic benign. Last evaluated: 2021-12-21. Review status: criteria provided, single submitter. Criteria: ACMG Guidelines, 2015. Collection method: clinical testing. Allele origin: unknown.

Literature cited by the submitters: PubMed 31613795 (cited by Labcorp Genetics (formerly Invitae), Labcorp); PubMed 33226606 (cited by Labcorp Genetics (formerly Invitae), Labcorp).

NM_001081.4(CUBN):c.164C>T (p.Thr55Met)

Gene: CUBN (cubilin; minus strand). Cytogenetic location: 10p13.
Variant type: single nucleotide variant.
Coding change: c.164C>T on transcript NM_001081.4 (MANE Select); coding-DNA position 164, C replaced by T.
Protein change: p.Thr55Met; replaces threonine 55 with methionine.
Molecular consequence: missense variant.
Genome position (GRCh38, 1-based): chr10:17,129,209, G>A on the plus strand (C>T on the coding strand, the complement: CUBN is on the minus strand). VCF-style: chr10-17129209-G-A. GRCh37 (hg19) VCF-style: chr10-17171208-G-A.
Other names: short protein forms T55M.
Identifiers: ClinVar variation 963138 (VCV000963138.10), dbSNP rs774556167, ClinGen allele CA5425772.